The following is an entry in ClinVar:

ClinVar aggregate classification (germline): Benign/Likely benign. Review status: criteria provided, multiple submitters, no conflicts (2 of 4 stars). 3 submissions from 3 submitters: Benign (1); Likely benign (1). 1 of the submissions does not count toward it. Last evaluated 2025-08-26.

Conditions:
COMP-related disorder. Also called: COMP-related condition; COMP-related disorders.

Allele frequency attached by ClinVar (database versions not stated): TOPMed 0.00002; 1000 Genomes Project 30x 0.00016; gnomAD exomes 0.00019; gnomAD 0.00023.
gnomAD v4.1: 290 of 1,544,240 alleles (0.019%); highest among the groups gnomAD compares: Non-Finnish European, 0.0073%; no homozygotes.

Submissions (3):

Labcorp Genetics (formerly Invitae), Labcorp
Classification: Benign. Last evaluated: 2025-08-26. Review status: criteria provided, single submitter. Criteria: Invitae Variant Classification Sherloc (09022015). Collection method: clinical testing. Allele origin: germline.

Blueprint Genetics
Classification: Likely benign. Last evaluated: 2024-08-14. Review status: criteria provided, single submitter. Criteria: ACMG Guidelines, 2015. Collection method: clinical testing. Allele origin: germline.

PreventionGenetics, part of Exact Sciences
Classification: Likely benign for COMP-related condition. Last evaluated: 2019-12-23. Review status: no assertion criteria provided. Collection method: clinical testing. Allele origin: germline. Not counted in ClinVar's aggregate classification.
Comment: This variant is classified as likely benign based on ACMG/AMP sequence variant interpretation guidelines (Richards et al. 2015 PMID: 25741868, with internal and published modifications).

NM_000095.3(COMP):c.686G>A (p.Cys229Tyr)

Gene: COMP (cartilage oligomeric matrix protein; minus strand). Cytogenetic location: 19p13.11.
Variant type: single nucleotide variant.
Coding change: c.686G>A on transcript NM_000095.3 (MANE Select); coding-DNA position 686, G replaced by A.
Protein change: p.Cys229Tyr; replaces cysteine 229 with tyrosine.
Molecular consequence: missense variant.
Genome position (GRCh38, 1-based): chr19:18,788,668, C>T on the plus strand (G>A on the coding strand, the complement: COMP is on the minus strand). VCF-style: chr19-18788668-C-T. GRCh37 (hg19) VCF-style: chr19-18899477-C-T.
Other names: c.686G>A (NM_000095.2); short protein forms C229Y.
Identifiers: ClinVar variation 2903589 (VCV002903589.6), dbSNP rs201319844, ClinGen allele CA9316651.